The following is an entry in ClinVar:

ClinVar aggregate classification (germline): Uncertain significance. Review status: criteria provided, single submitter (1 of 4 stars). 2 submissions from 2 submitters: Uncertain significance (1). 1 of the submissions does not count toward it. Last evaluated 2025-03-04.

Conditions:
PIEZO1-related disorder. Also called: PIEZO1-related condition; PIEZO1-Related Disorders.

Submissions (2):

Center for Genomic Medicine, Rigshospitalet, Copenhagen University Hospital
Classification: Uncertain significance. Last evaluated: 2025-03-04. Review status: criteria provided, single submitter. Criteria: ACMG Guidelines, 2015. Collection method: clinical testing. Allele origin: germline.

PreventionGenetics, part of Exact Sciences
Classification: Uncertain significance for PIEZO1-related condition. Last evaluated: 2024-03-24. Review status: no assertion criteria provided. Collection method: clinical testing. Allele origin: germline. Not counted in ClinVar's aggregate classification.
Comment: The PIEZO1 c.2218_2229dup12 variant is predicted to result in an in-frame duplication (p.Glu740_Glu743dup). To our knowledge, this variant has not been reported in the literature. This variant is reported in 0.032% of alleles in individuals of East Asian descent in gnomAD, and similar in-frame deletions and duplications have been reported in this region in the same large public population database. At this time, the clinical significance of this variant is uncertain due to the absence of conclusive functional and genetic evidence.

NM_001142864.4(PIEZO1):c.2218_2229dup (p.Glu743_His744insGluGlnGlnGlu)

Genes: HSALR1 (HSP90AB1 associated lncRNA 1; plus strand), PIEZO1 (piezo type mechanosensitive ion channel component 1 (Er blood group); minus strand). Cytogenetic location: 16q24.3.
Variant type: Duplication.
Coding change: c.2218_2229dup on transcript NM_001142864.4 (MANE Select); coding-DNA positions 2218 to 2229, 12 bases duplicated (GAGCAGCAGGAG).
Protein change: p.Glu743_His744insGluGlnGlnGlu.
Molecular consequence: inframe insertion.
Genome position (GRCh38, 1-based): chr16:88,734,006-88,734,017, CTCCTGCTGCTC duplicated on the plus strand (GAGCAGCAGGAG on the coding strand, the reverse complement: PIEZO1 is on the minus strand); duplicating any 12 consecutive bases within chr16:88,734,006-88,734,021 gives the same sequence; the c. name uses the placement nearest the transcript's 3' end. VCF-style (leftmost placement, unchanged base first): chr16-88734005-G-GCTCCTGCTGCTC. GRCh37 (hg19) VCF-style: chr16-88800413-G-GCTCCTGCTGCTC.
Other names: c.2218_2229dupGAGCAGCAGGAG (NM_001142864.4).
Identifiers: ClinVar variation 3352103 (VCV003352103.2).
Genomic context (GRCh38, chr16:88,734,005, plus strand): 5'-CCAGCCCCTCGTCCCTGGAGTCCTCCTCCTCCTCCTCCTCCTCCTGCTGCTGCTGCTGAT[G>GCTCCTGCTGCTC]CTCCTGCTGCTCCTCCCGCAGCAGTGGGGTCCCACTCACTGCATCCTGCCTGGGAGAGGG-3'